The following is an entry in ClinVar:

ClinVar aggregate classification (germline): Uncertain significance (1 of 4 stars; one submission).

Submission:

Labcorp Genetics (formerly Invitae), Labcorp
Classification: Uncertain significance. Last evaluated: 2021-02-02. Review status: criteria provided, single submitter. Criteria: Invitae Variant Classification Sherloc (09022015). Collection method: clinical testing. Allele origin: germline.
Comment: In summary, the available evidence is currently insufficient to determine the role of this variant in disease. Therefore, it has been classified as a Variant of Uncertain Significance. Experimental studies and prediction algorithms are not available for this variant, and the functional significance of the deleted amino acid is currently unknown. This variant has not been reported in the literature in individuals with POLE-related disease. This variant is not present in population databases (ExAC no frequency). This variant, c.5742_5744delTCT, results in the deletion of 1 amino acid of the POLE protein (p.Leu1915del), but otherwise preserves the integrity of the reading frame.

NM_006231.4(POLE):c.5739TCT[1] (p.Leu1915del)

Gene: POLE (DNA polymerase epsilon, catalytic subunit; minus strand). Cytogenetic location: 12q24.33.
Variant type: Microsatellite.
Coding change: c.5739TCT[1] on transcript NM_006231.4 (MANE Select); one copy of the 3-base unit TCT starting at c.5739; the reference has two copies in a row; one copy, 3 bases deleted.
Protein change: p.Leu1915del; deletes leucine 1915.
Molecular consequence: inframe deletion.
Genome position (GRCh38, 1-based): chr12:132,635,959-132,635,961, AGA deleted on the plus strand (TCT on the coding strand, the reverse complement: POLE is on the minus strand); deleting any 3 consecutive bases within chr12:132,635,959-132,635,965 gives the same sequence; the position shown is the placement nearest the transcript's 3' end. VCF-style (leftmost placement, unchanged base first): chr12-132635958-GAGA-G. GRCh37 (hg19) VCF-style: chr12-133212544-GAGA-G.
Other names: c.5742_5744delTCT (NM_006231.3); short protein forms L1915del.
Identifiers: ClinVar variation 571574 (VCV000571574.8), dbSNP rs1565930056, ClinGen allele CA891843955.